The following is an entry in ClinVar:

NM_003072.5(SMARCA4):c.3831G>A (p.Pro1277=)

Gene: SMARCA4 (SWI/SNF related BAF chromatin remodeling complex subunit ATPase 4; plus strand). Cytogenetic location: 19p13.2.
Variant type: single nucleotide variant.
Coding change: c.3831G>A on transcript NM_003072.5 (MANE Select); coding-DNA position 3831, G replaced by A.
Protein change: p.Pro1277=; no amino-acid change (proline 1277 retained).
Molecular consequence: synonymous variant. On other transcripts: intron variant (5).
Genome position (GRCh38, 1-based): chr19:11,033,823, G>A. VCF-style: chr19-11033823-G-A. GRCh37 (hg19) VCF-style: chr19-11144499-G-A.
Other names: c.3831G>A, p.Pro1277= (NM_001128844.3, NM_001128849.3, NM_001387283.1); c.3775-300G>A (NM_001128847.4, NM_001374457.1, NM_001128845.2 and 2 more transcripts).
Identifiers: ClinVar variation 537848 (VCV000537848.20), dbSNP rs371304615, ClinGen allele CA9204530.

ClinVar aggregate classification (germline): Conflicting classifications of pathogenicity. Review status: criteria provided, conflicting classifications (1 of 4 stars). 5 submissions from 5 submitters: Uncertain significance (1); Benign (1); Likely benign (3). Last evaluated 2026-07-15.

Conditions:
Hereditary cancer-predisposing syndrome. Also called: Tumor predisposition; Neoplastic Syndromes, Hereditary; Hereditary Cancer Syndrome; Hereditary neoplastic syndrome. Identifiers: Orphanet 140162, MedGen C0027672, MeSH D009386, MONDO:0015356.
Rhabdoid tumor predisposition syndrome 2 (RTPS2). Identifiers: Orphanet 231108, Orphanet 69077, MedGen C2750074, MONDO:0013224, OMIM 613325.

Allele frequency attached by ClinVar (database versions not stated): gnomAD exomes 0.00001 and below 0.00001; ESP Exome Variant Server 0.00008; TOPMed 0.00002; gnomAD 0.00003 and 0.00004; ExAC 0.00002.
gnomAD v4.1: 12 of 779,300 alleles (0.0015%); highest among the groups gnomAD compares: East Asian, 0.0048%; no homozygotes.

Submissions (5):

Myriad Genetics, Inc.
Classification: Benign for Rhabdoid tumor predisposition syndrome 2. Last evaluated: 2026-07-15. Review status: criteria provided, single submitter. Criteria: Myriad Autosomal Dominant, Autosomal Recessive and X-Linked Classification Criteria (2023). Collection method: clinical testing. Allele origin: unknown.
Comment: This variant is considered benign. This variant is a silent/synonymous amino acid change and it is not expected to impact splicing.

Labcorp Genetics (formerly Invitae), Labcorp
Classification: Likely benign for Rhabdoid tumor predisposition syndrome 2. Last evaluated: 2025-09-22. Review status: criteria provided, single submitter. Criteria: Invitae Variant Classification Sherloc (09022015). Collection method: clinical testing. Allele origin: germline.

Quest Diagnostics Nichols Institute San Juan Capistrano
Classification: Uncertain significance. Last evaluated: 2024-10-17. Review status: criteria provided, single submitter. Criteria: Quest Diagnostics criteria. Collection method: clinical testing. Allele origin: unknown.
Comment: The SMARCA4 c.3831G>A (p.Pro1277=) synonymous variant has not been reported in individuals with SMARCA4-related conditions in the published literature. The frequency of this variant in the general population, 0.0000073 (2/275580 chromosomes (Genome Aggregation Database)), is uninformative in the assessment of its pathogenicity. Analysis of this variant using software algorithms for the prediction of the effect of nucleotide changes on splicing yielded predictions that this variant does not affect SMARCA4 mRNA splicing. Based on the available information, we are unable to determine the clinical significance of this variant.

Blueprint Genetics
Classification: Likely benign. Last evaluated: 2019-09-05. Review status: criteria provided, single submitter. Criteria: ACMG Guidelines, 2015. Collection method: clinical testing. Allele origin: germline.

Ambry Genetics
Classification: Likely benign for Hereditary cancer-predisposing syndrome. Last evaluated: 2019-05-25. Review status: criteria provided, single submitter. Criteria: Ambry Variant Classification Scheme 2023. Collection method: clinical testing. Allele origin: germline.